The following is an entry in ClinVar:

ClinVar aggregate classification (germline): Conflicting classifications of pathogenicity. Review status: criteria provided, conflicting classifications (1 of 4 stars). 2 submissions from 2 submitters: Likely pathogenic (1); Uncertain significance (1). Last evaluated 2024-09-22.

Conditions:
Tuberous sclerosis 1 (TSC1). Identifiers: Orphanet 805, MedGen C1854465, MONDO:0008612, OMIM 191100.

Submissions (2):

Genomic Medicine Center of Excellence, King Faisal Specialist Hospital and Research Centre
Classification: Likely pathogenic for Tuberous sclerosis 1. Last evaluated: 2024-09-22. Review status: criteria provided, single submitter. Criteria: ACMG Guidelines, 2015. Collection method: clinical testing. Allele origin: germline.

Labcorp Genetics (formerly Invitae), Labcorp
Classification: Uncertain significance for Tuberous sclerosis 1. Last evaluated: 2024-04-15. Review status: criteria provided, single submitter. Criteria: Invitae Variant Classification Sherloc (09022015). Collection method: clinical testing. Allele origin: germline.
Comment: This sequence change affects a donor splice site in intron 19 of the TSC1 gene. RNA analysis indicates that disruption of this splice site induces altered splicing and likely results in the loss of 14 amino acid residue(s), but is expected to preserve the integrity of the reading-frame. This variant is not present in population databases (gnomAD no frequency). This variant has not been reported in the literature in individuals affected with TSC1-related conditions. ClinVar contains an entry for this variant (Variation ID: 2123094). Studies have shown that disruption of this splice site results in the activation of a cryptic splice site in exon 19 (Invitae). In summary, the available evidence is currently insufficient to determine the role of this variant in disease. Therefore, it has been classified as a Variant of Uncertain Significance.

NM_000368.5(TSC1):c.2502+1G>T

Gene: TSC1 (TSC complex subunit 1; minus strand). Cytogenetic location: 9q34.13.
Variant type: single nucleotide variant.
Coding change: c.2502+1G>T on transcript NM_000368.5 (MANE Select); the canonical splice donor site of the intron after coding-DNA position 2502, G replaced by T.
Molecular consequence: splice donor variant. On other transcripts: intron variant (8).
Genome position (GRCh38, 1-based): chr9:132,901,588, C>A on the plus strand (G>T on the coding strand, the complement: TSC1 is on the minus strand). VCF-style: chr9-132901588-C-A. GRCh37 (hg19) VCF-style: chr9-135776975-C-A.
Other names: c.2136+1G>T (NM_001406620.1, NM_001406621.1, NM_001406622.1 and 1 more transcripts); c.2139+1G>T (NM_001406618.1, NM_001406617.1, NM_001406619.1 and 4 more transcripts); c.2094+43G>T (NM_001406625.1); c.2304+43G>T (NM_001406613.1); c.2346+1G>T (NM_001406612.1, NM_001406611.1); c.2349+1G>T (NM_001406610.1, NM_001162427.2); c.1548+1G>T (NM_001406627.1, NM_001406628.1); c.1449+1G>T (NM_001406629.1, NM_001406630.1); and 8 more.
Identifiers: ClinVar variation 2123094 (VCV002123094.5), dbSNP rs2131702478, ClinGen allele CA375358236.